The following is an entry in ClinVar:

ClinVar aggregate classification (germline): Likely pathogenic. Review status: criteria provided, multiple submitters, no conflicts (2 of 4 stars). 2 submissions from 2 submitters: Likely pathogenic (2). Last evaluated 2024-01-11.

Conditions:
Hypotonia, infantile, with psychomotor retardation and characteristic facies 2 (IHPRF2). Also called: UNC80 Deficiency. Identifiers: Orphanet 371364, Orphanet 700333, MedGen C4225203, MONDO:0014777, OMIM 616801.

Submissions (2):

Labcorp Genetics (formerly Invitae), Labcorp
Classification: Likely pathogenic. Last evaluated: 2024-01-11. Review status: criteria provided, single submitter. Criteria: Invitae Variant Classification Sherloc (09022015). Collection method: clinical testing. Allele origin: germline.
Comment: This sequence change affects a donor splice site in intron 56 of the UNC80 gene. It is expected to disrupt RNA splicing. Variants that disrupt the donor or acceptor splice site typically lead to a loss of protein function (PMID: 16199547), and loss-of-function variants in UNC80 are known to be pathogenic (PMID: 26545877, 26708751, 26708753). This variant is not present in population databases (gnomAD no frequency). Disruption of this splice site has been observed in individual(s) with clinical features of UNC80-related conditions (PMID: 31607746). ClinVar contains an entry for this variant (Variation ID: 1699440). Algorithms developed to predict the effect of sequence changes on RNA splicing suggest that this variant may disrupt the consensus splice site. In summary, the currently available evidence indicates that the variant is pathogenic, but additional data are needed to prove that conclusively. Therefore, this variant has been classified as Likely Pathogenic.

Victorian Clinical Genetics Services, Murdoch Childrens Research Institute
Classification: Likely pathogenic for Hypotonia, infantile, with psychomotor retardation and characteristic facies 2. Last evaluated: 2022-02-02. Review status: criteria provided, single submitter. Criteria: ACMG Guidelines, 2015. Collection method: clinical testing. Allele origin: germline. Inheritance: Autosomal recessive inheritance.
Comment: Based on the classification scheme VCGS_Germline_v1.3.4, this variant is classified as Likely Pathogenic. Following criteria are met: 0102 - Loss of function is a known mechanism of disease in this gene and is associated with hypotonia, infantile, with psychomotor retardation and characteristic facies 2 (MIM#616801). (I) 0106 - This gene is associated with autosomal recessive disease. (I) 0211 - Canonical splice site variant without proven consequence on splicing (no functional evidence available). (SP) 0252 - This variant is homozygous. (I) 0301 - Variant is absent from gnomAD (both v2 and v3). (SP) 0505 - Abnormal splicing is predicted by in silico tools and affected nucleotide is highly conserved. (SP) 0704 - Another canonical splice variant comparable to the one identified in this case has limited previous evidence for pathogenicity. This variant (c.8574+2T>G) has been reported as likely pathogenic or pathogenic, and observed in a single homozygous individual with features including developmental delay, dysmorphism and myopathy (ClinVar, LOVD, PMID: 31607746). (SP) 0807 - This variant has no previous evidence of pathogenicity. (I) 0905 - No published segregation evidence has been identified for this variant. (I) 1007 - No published functional evidence has been identified for this variant. (I) 1102 - Strong phenotype match for this individual. (SP) 1208 - Inheritance information for this variant is not currently available in this individual. (I) Legend: (SP) - Supporting pathogenic, (I) - Information, (SB) - Supporting benign

Literature cited by the submitters: PubMed 16199547 (cited by Labcorp Genetics (formerly Invitae), Labcorp); PubMed 26545877 (cited by Labcorp Genetics (formerly Invitae), Labcorp); PubMed 26708751 (cited by Labcorp Genetics (formerly Invitae), Labcorp); PubMed 26708753 (cited by Labcorp Genetics (formerly Invitae), Labcorp); PubMed 31607746 (cited by Labcorp Genetics (formerly Invitae), Labcorp and Victorian Clinical Genetics Services, Murdoch Childrens Research Institute).

NM_001371986.1(UNC80):c.8772+1G>A

Gene: UNC80 (unc-80 subunit of NALCN channel complex; plus strand). Cytogenetic location: 2q34.
Variant type: single nucleotide variant.
Coding change: c.8772+1G>A on transcript NM_001371986.1 (MANE Select); the canonical splice donor site of the intron after coding-DNA position 8772, G replaced by A.
Molecular consequence: splice donor variant.
Genome position (GRCh38, 1-based): chr2:209,976,304, G>A. VCF-style: chr2-209976304-G-A. GRCh37 (hg19) VCF-style: chr2-210841028-G-A.
Other names: c.8574+1G>A (NM_032504.2); c.8559+1G>A (NM_182587.4).
Identifiers: ClinVar variation 1699440 (VCV001699440.8), dbSNP rs2125016932, ClinGen allele CA350413988.
Genomic context (GRCh38, chr2:209,976,304, plus strand): 5'-TTCATCGTGCGGACCCGAATACCCATCTTTGTGCTTTTGCGCCCTTTCATCCAGTGCAAG[G>A]TGTGGTGTGTGCTTCTCCTCCTGAAAGTGGCAAGCTCAAATGAATGTGTGGCTCTCTACT-3'